The following is an entry in ClinVar:

NM_001278689.2(EOGT):c.1153-1G>C

Gene: EOGT (EGF domain specific O-linked N-acetylglucosamine transferase; minus strand). Cytogenetic location: 3p14.1.
Variant type: single nucleotide variant.
Coding change: c.1153-1G>C on transcript NM_001278689.2 (MANE Select); the canonical splice acceptor site of the intron before coding-DNA position 1153, G replaced by C.
Molecular consequence: splice acceptor variant.
Genome position (GRCh38, 1-based): chr3:68,982,873, C>G on the plus strand (G>C on the coding strand, the complement: EOGT is on the minus strand). VCF-style: chr3-68982873-C-G. GRCh37 (hg19) VCF-style: chr3-69032024-C-G.
Other names: c.901-1G>C (NM_173654.3).
Identifiers: ClinVar variation 5006692 (VCV005006692.2).

ClinVar aggregate classification (germline): Likely pathogenic (1 of 4 stars; one submission).

Conditions:
Adams-Oliver syndrome 4 (AOS4). Identifiers: Orphanet 974, MedGen C3809092, MONDO:0014124, OMIM 615297.

Submission:

Juno Genomics, Hangzhou Juno Genomics, Inc
Classification: Likely pathogenic for Adams-Oliver syndrome 4. Review status: criteria provided, single submitter. Criteria: ACMG Guidelines, 2015. Collection method: clinical testing. Allele origin: germline.
Comment: Null variant in a gene where loss of function (LOF) is a known mechanism of disease.;Absent from controls (or at extremely low frequency if recessive) in Genome Aggregation Database.